The following is an entry in ClinVar:

NM_000377.3(WAS):c.1179_1187dup (p.Pro404_Ser405insProProPro)

Gene: WAS (WASP actin nucleation promoting factor; plus strand). Cytogenetic location: Xp11.23.
Variant type: Duplication.
Coding change: c.1179_1187dup on transcript NM_000377.3 (MANE Select); coding-DNA positions 1179 to 1187, 9 bases duplicated (GCCACCACC; older notation c.1179_1187dupGCCACCACC).
Protein change: p.Pro404_Ser405insProProPro.
Molecular consequence: inframe insertion.
Genome position (GRCh38, 1-based): chrX:48,688,907-48,688,915, GCCACCACC duplicated. VCF-style (leftmost placement, unchanged base first): chrX-48688906-T-TGCCACCACC. GRCh37 (hg19) VCF-style: chrX-48547295-T-TGCCACCACC.
Identifiers: ClinVar variation 2944256 (VCV002944256.3), dbSNP rs2519287583, ClinGen allele CA2740092136.

ClinVar aggregate classification (germline): Uncertain significance (1 of 4 stars; one submission).

Conditions:
Thrombocytopenia 1. Also called: THROMBOCYTOPENIA, X-LINKED, 1; X-Linked Thrombocytopenia (XLT); X-linked thrombocytopenia with normal platelets. Identifiers: Orphanet 268322, Orphanet 852, MedGen C1839163, MONDO:0010743, OMIM 313900.
Wiskott-Aldrich syndrome (WAS). Also called: ALDRICH SYNDROME; IMMUNODEFICIENCY 2; WISKOTT-ALDRICH SYNDROME 1; Wiskott-aldrich syndrome, somatic. Identifiers: Orphanet 906, MedGen C0043194, MONDO:0010518, OMIM 301000.
X-linked severe congenital neutropenia (SCNX). Identifiers: Orphanet 86788, MedGen C1845987, MONDO:0010294, OMIM 300299.

Submission:

Labcorp Genetics (formerly Invitae), Labcorp
Classification: Uncertain significance for Wiskott-Aldrich syndrome; X-linked severe congenital neutropenia; Thrombocytopenia 1. Last evaluated: 2023-07-18. Review status: criteria provided, single submitter. Criteria: Invitae Variant Classification Sherloc (09022015). Collection method: clinical testing. Allele origin: germline.
Comment: In summary, the available evidence is currently insufficient to determine the role of this variant in disease. Therefore, it has been classified as a Variant of Uncertain Significance. Experimental studies and prediction algorithms are not available or were not evaluated, and the functional significance of this variant is currently unknown. This variant has not been reported in the literature in individuals affected with WAS-related conditions. This variant is not present in population databases (gnomAD no frequency). This variant, c.1179_1187dup, results in the insertion of 3 amino acid(s) of the WAS protein (p.Pro402_Pro404dup), but otherwise preserves the integrity of the reading frame.